The following is an entry in ClinVar:

NM_014874.4(MFN2):c.32T>C (p.Ile11Thr)

Gene: MFN2 (mitofusin 2; plus strand). Cytogenetic location: 1p36.22.
Variant type: single nucleotide variant.
Coding change: c.32T>C on transcript NM_014874.4 (MANE Select); coding-DNA position 32, T replaced by C.
Protein change: p.Ile11Thr; replaces isoleucine 11 with threonine.
Molecular consequence: missense variant.
Genome position (GRCh38, 1-based): chr1:11,989,200, T>C. VCF-style: chr1-11989200-T-C. GRCh37 (hg19) VCF-style: chr1-12049257-T-C.
Other names: c.32T>C, p.Ile11Thr (NM_001127660.2); short protein forms I11T.
Identifiers: ClinVar variation 641221 (VCV000641221.10), dbSNP rs777625403, ClinGen allele CA18035498.

ClinVar aggregate classification (germline): Uncertain significance (1 of 4 stars; one submission).

Conditions:
Charcot-Marie-Tooth disease type 2. Also called: Charcot-Marie-Tooth type 2. Identifiers: Orphanet 64746, MedGen C0270914, MONDO:0018993.

Allele frequency attached by ClinVar (database versions not stated): TOPMed 0.00001; gnomAD 0.00001.
gnomAD v4.1: 10 of 1,613,972 alleles (0.00062%); highest among the groups gnomAD compares: Non-Finnish European, 0.00085%; no homozygotes.

Submission:

Labcorp Genetics (formerly Invitae), Labcorp
Classification: Uncertain significance for Charcot-Marie-Tooth disease type 2. Last evaluated: 2022-06-14. Review status: criteria provided, single submitter. Criteria: Invitae Variant Classification Sherloc (09022015). Collection method: clinical testing. Allele origin: germline.
Comment: In summary, the available evidence is currently insufficient to determine the role of this variant in disease. Therefore, it has been classified as a Variant of Uncertain Significance. Advanced modeling of protein sequence and biophysical properties (such as structural, functional, and spatial information, amino acid conservation, physicochemical variation, residue mobility, and thermodynamic stability) performed at Invitae indicates that this missense variant is not expected to disrupt MFN2 protein function. ClinVar contains an entry for this variant (Variation ID: 641221). This variant has not been reported in the literature in individuals affected with MFN2-related conditions. This variant is present in population databases (rs777625403, gnomAD 0.0009%). This sequence change replaces isoleucine, which is neutral and non-polar, with threonine, which is neutral and polar, at codon 11 of the MFN2 protein (p.Ile11Thr).